The following is an entry in ClinVar:

ClinVar aggregate classification (germline): Conflicting classifications of pathogenicity. Review status: criteria provided, conflicting classifications (1 of 4 stars). 3 submissions from 3 submitters: Likely pathogenic (1); Uncertain significance (2). Last evaluated 2026-04-07.

Conditions:
Hypophosphatasia. Also called: Phosphoethanol-aminuria. Identifiers: Orphanet 436, MedGen C0020630, MeSH D007014, MONDO:0018570.

Allele frequency attached by ClinVar (database versions not stated): TOPMed below 0.00001.
gnomAD v4.1: 5 of 1,614,084 alleles (0.00031%); highest among the groups gnomAD compares: Non-Finnish European, 0.00042%; no homozygotes.

Submissions (3):

Myriad Genetics, Inc.
Classification: Uncertain significance for Hypophosphatasia. Last evaluated: 2026-04-07. Review status: criteria provided, single submitter. Criteria: Myriad Autosomal Dominant, Autosomal Recessive and X-Linked Classification Criteria (2023). Collection method: clinical testing. Allele origin: unknown.
Comment: NM_000478.4(ALPL):c.547G>A(D183N) is a missense variant classified as a variant of uncertain significance in the context of hypophosphatasia. D183N has been observed in cases with relevant disease (PMID: 32066479). Relevant functional assessments of this variant are not available in the literature. D183N has not been observed in referenced population frequency databases. In summary, there is insufficient evidence to classify NM_000478.4(ALPL):c.547G>A(D183N) as pathogenic or benign. Please note: this variant was assessed in the context of healthy population screening.

Genomenon, Inc
Classification: Uncertain significance for Hypophosphatasia. Last evaluated: 2025-08-29. Review status: criteria provided, single submitter. Criteria: Genomenon Sequence Variant Interpretation Standards. Collection method: curation. Allele origin: germline. Affected: yes.
Comment: ALPL c.547G>A is a missense variant that changes the amino acid at residue 183 from Aspartic acid to Asparagine. This variant has been observed in at least one proband affected with hypophosphatasia (PMID:32066479). It is absent or not present at a significant frequency in gnomAD. In conclusion, we classify ALPL p.Asp183Asn (c.547G>A) as a variant of unknown significance.

Labcorp Genetics (formerly Invitae), Labcorp
Classification: Likely pathogenic. Last evaluated: 2023-02-03. Review status: criteria provided, single submitter. Criteria: Invitae Variant Classification Sherloc (09022015). Collection method: clinical testing. Allele origin: germline.
Comment: This variant is not present in population databases (gnomAD no frequency). In summary, the currently available evidence indicates that the variant is pathogenic, but additional data are needed to prove that conclusively. Therefore, this variant has been classified as Likely Pathogenic. This variant disrupts the p.Asp183 amino acid residue in ALPL. Other variant(s) that disrupt this residue have been observed in individuals with ALPL-related conditions (PMID: 22397652), which suggests that this may be a clinically significant amino acid residue. Advanced modeling of protein sequence and biophysical properties (such as structural, functional, and spatial information, amino acid conservation, physicochemical variation, residue mobility, and thermodynamic stability) performed at Invitae indicates that this missense variant is expected to disrupt ALPL protein function. ClinVar contains an entry for this variant (Variation ID: 1334158). This missense change has been observed in individual(s) with autosomal dominant hypophosphatasia (PMID: 32066479). This sequence change replaces aspartic acid, which is acidic and polar, with asparagine, which is neutral and polar, at codon 183 of the ALPL protein (p.Asp183Asn).

Literature cited by the submitters: PubMed 32066479 (cited by 3 submitters); PubMed 22397652 (cited by Labcorp Genetics (formerly Invitae), Labcorp).

NM_000478.6(ALPL):c.547G>A (p.Asp183Asn)

Gene: ALPL (alkaline phosphatase, biomineralization associated; plus strand). Cytogenetic location: 1p36.12.
Variant type: single nucleotide variant.
Coding change: c.547G>A on transcript NM_000478.6 (MANE Select); coding-DNA position 547, G replaced by A.
Protein change: p.Asp183Asn; replaces aspartic acid 183 with asparagine.
Molecular consequence: missense variant.
Genome position (GRCh38, 1-based): chr1:21,564,115, G>A. VCF-style: chr1-21564115-G-A. GRCh37 (hg19) VCF-style: chr1-21890608-G-A.
Other names: c.382G>A, p.Asp128Asn (NM_001127501.4); c.316G>A, p.Asp106Asn (NM_001177520.3); c.547G>A, p.Asp183Asn (NM_001369803.2, NM_001369804.2, NM_001369805.2); short protein forms D106N, D128N, D183N.
Identifiers: ClinVar variation 1334158 (VCV001334158.8), dbSNP rs1644529037, ClinGen allele CA338877976.